The following is an entry in ClinVar:

ClinVar aggregate classification (germline): Uncertain significance (1 of 4 stars; one submission).

Conditions:
Long QT syndrome (LQTS). Identifiers: MedGen C0023976, MeSH D008133, MONDO:0002442. Disease mechanism: loss of function. Inheritance: Various modes of inheritance.

gnomAD v4.1: 3 of 1,613,890 alleles (0.00019%); highest among the groups gnomAD compares: Non-Finnish European, 0.00025%; no homozygotes.

Submission:

Labcorp Genetics (formerly Invitae), Labcorp
Classification: Uncertain significance for Long QT syndrome. Last evaluated: 2017-08-13. Review status: criteria provided, single submitter. Criteria: Invitae Variant Classification Sherloc (09022015). Collection method: clinical testing. Allele origin: germline.
Comment: This variant is present in population databases (rs748400535, ExAC 0.001%). This sequence change replaces valine with leucine at codon 2910 of the ANK2 protein (p.Val2910Leu). The valine residue is weakly conserved and there is a small physicochemical difference between valine and leucine. This variant has not been reported in the literature in individuals with ANK2-related disease. In summary, the available evidence is currently insufficient to determine the role of this variant in disease. Therefore, it has been classified as a Variant of Uncertain Significance. Algorithms developed to predict the effect of missense changes on protein structure and function (SIFT, PolyPhen-2, Align-GVGD) all suggest that this variant is likely to be tolerated, but these predictions have not been confirmed by published functional studies and their clinical significance is uncertain.

NM_001148.6(ANK2):c.8728G>T (p.Val2910Leu)

Gene: ANK2 (ankyrin 2; plus strand). Cytogenetic location: 4q26.
Variant type: single nucleotide variant.
Coding change: c.8728G>T on transcript NM_001148.6 (MANE Select); coding-DNA position 8728, G replaced by T.
Protein change: p.Val2910Leu; replaces valine 2910 with leucine.
Molecular consequence: missense variant. On other transcripts: intron variant (68).
Genome position (GRCh38, 1-based): chr4:113,357,346, G>T. VCF-style: chr4-113357346-G-T. GRCh37 (hg19) VCF-style: chr4-114278502-G-T.
Other names: c.8494G>T, p.Val2832Leu (NM_001386142.1); c.5128G>T, p.Val1710Leu (NM_001386166.1); c.8869G>T, p.Val2957Leu (NM_001386174.1); c.8845G>T, p.Val2949Leu (NM_001386175.1); c.4412-3477G>T (NM_001386186.2, NM_001386148.2); c.4214-3477G>T (NM_001354269.3); c.4292-3477G>T (NM_001386187.2); c.4253-3477G>T (NM_001386147.1); and 35 more; short protein forms V2910L, V1710L, V2832L, V2949L, V2957L.
Identifiers: ClinVar variation 526933 (VCV000526933.5), dbSNP rs748400535, ClinGen allele CA3051823.